The following is an entry in ClinVar:

NM_001042492.3(NF1):c.4424C>T (p.Ala1475Val)

Gene: NF1 (neurofibromin 1; plus strand). Cytogenetic location: 17q11.2.
Variant type: single nucleotide variant.
Coding change: c.4424C>T on transcript NM_001042492.3 (MANE Select); coding-DNA position 4424, C replaced by T.
Protein change: p.Ala1475Val; replaces alanine 1475 with valine.
Molecular consequence: missense variant.
Genome position (GRCh38, 1-based): chr17:31,259,123, C>T. VCF-style: chr17-31259123-C-T. GRCh37 (hg19) VCF-style: chr17-29586141-C-T.
Other names: c.4361C>T, p.Ala1454Val (NM_000267.4); short protein forms A1475V, A1454V.
Identifiers: ClinVar variation 1440024 (VCV001440024.8), dbSNP rs2151463210, ClinGen allele CA398998999.

ClinVar aggregate classification (germline): Uncertain significance (1 of 4 stars; one submission).

Conditions:
Neurofibromatosis, type 1 (NF1). Also called: Peripheral type neurofibromatosis; VON RECKLINGHAUSEN DISEASE; NEUROFIBROMATOSIS, TYPE I, SOMATIC; Neurofibromatosis, type I. Identifiers: Orphanet 636, MedGen C0027831, MONDO:0018975, OMIM 162200. Disease mechanism: loss of function.

Submission:

Labcorp Genetics (formerly Invitae), Labcorp
Classification: Uncertain significance for Neurofibromatosis, type 1. Last evaluated: 2022-07-26. Review status: criteria provided, single submitter. Criteria: Invitae Variant Classification Sherloc (09022015). Collection method: clinical testing. Allele origin: germline.
Comment: In summary, the available evidence is currently insufficient to determine the role of this variant in disease. Therefore, it has been classified as a Variant of Uncertain Significance. Algorithms developed to predict the effect of sequence changes on RNA splicing suggest that this variant may create or strengthen a splice site. Algorithms developed to predict the effect of missense changes on protein structure and function (SIFT, PolyPhen-2, Align-GVGD) all suggest that this variant is likely to be tolerated. ClinVar contains an entry for this variant (Variation ID: 1440024). This variant has not been reported in the literature in individuals affected with NF1-related conditions. This variant is not present in population databases (gnomAD no frequency). This sequence change replaces alanine, which is neutral and non-polar, with valine, which is neutral and non-polar, at codon 1454 of the NF1 protein (p.Ala1454Val).